The following is an entry in ClinVar:

ClinVar aggregate classification (germline): Uncertain significance (1 of 4 stars; one submission).

Conditions:
Charcot-Marie-Tooth disease axonal type 2C (HMSN2C). Also called: CHARCOT-MARIE-TOOTH DISEASE, AXONAL, AUTOSOMAL DOMINANT, TYPE 2C; Charcot-Marie-Tooth Neuropathy Type 2C; Charcot-Marie-Tooth Disease Type 2, TRPV4-Related (CMT2C). Identifiers: Orphanet 99937, MedGen C1853710, MONDO:0011633, OMIM 606071.

Submission:

Labcorp Genetics (formerly Invitae), Labcorp
Classification: Uncertain significance for Charcot-Marie-Tooth disease axonal type 2C. Last evaluated: 2022-07-29. Review status: criteria provided, single submitter. Criteria: Invitae Variant Classification Sherloc (09022015). Collection method: clinical testing. Allele origin: germline.
Comment: This sequence change creates a premature translational stop signal (p.Ser118Lysfs*2) in the TRPV4 gene. It is expected to result in an absent or disrupted protein product. However, the current clinical and genetic evidence is not sufficient to establish whether loss-of-function variants in TRPV4 cause disease. This variant is not present in population databases (gnomAD no frequency). This variant has not been reported in the literature in individuals affected with TRPV4-related conditions. In summary, the available evidence is currently insufficient to determine the role of this variant in disease. Therefore, it has been classified as a Variant of Uncertain Significance.

NM_021625.5(TRPV4):c.352dup (p.Ser118fs)

Gene: TRPV4 (transient receptor potential cation channel subfamily V member 4; minus strand). Cytogenetic location: 12q24.11.
Variant type: Duplication.
Coding change: c.352dup on transcript NM_021625.5 (MANE Select); coding-DNA position 352, one base duplicated (A; older notation c.352dupA).
Protein change: p.Ser118fs; shifts the reading frame from serine 118.
Molecular consequence: frameshift variant.
Genome position (GRCh38, 1-based): chr12:109,814,445, T duplicated on the plus strand (A on the coding strand, the reverse complement: TRPV4 is on the minus strand). VCF-style (leftmost placement, unchanged base first): chr12-109814444-C-CT. GRCh37 (hg19) VCF-style: chr12-110252249-C-CT.
Other names: c.352dup, p.Ser118Lysfs (NM_001177428.2, NM_001177433.2, NM_147204.3); c.250dup, p.Ser84Lysfs (NM_001177431.2); short protein forms S118fs, S84fs.
Identifiers: ClinVar variation 1989097 (VCV001989097.4), dbSNP rs2548802653, ClinGen allele CA2580085761.